The following is an entry in ClinVar:

ClinVar aggregate classification (germline): Uncertain significance (1 of 4 stars; one submission).

gnomAD v4.1: 7 of 1,607,606 alleles (0.00044%); highest among the groups gnomAD compares: East Asian, 0.0045%; no homozygotes.

Submission:

Labcorp Genetics (formerly Invitae), Labcorp
Classification: Uncertain significance. Last evaluated: 2025-10-27. Review status: criteria provided, single submitter. Criteria: Invitae Variant Classification Sherloc (09022015). Collection method: clinical testing. Allele origin: germline.
Comment: This sequence change replaces valine, which is neutral and non-polar, with isoleucine, which is neutral and non-polar, at codon 329 of the PEX3 protein (p.Val329Ile). This variant is not present in population databases (gnomAD no frequency). This variant has not been reported in the literature in individuals affected with PEX3-related conditions. Invitae Evidence Modeling of protein sequence and biophysical properties (such as structural, functional, and spatial information, amino acid conservation, physicochemical variation, residue mobility, and thermodynamic stability) indicates that this missense variant is not expected to disrupt PEX3 protein function with a negative predictive value of 80%. In summary, the available evidence is currently insufficient to determine the role of this variant in disease. Therefore, it has been classified as a Variant of Uncertain Significance.

NM_003630.3(PEX3):c.985G>A (p.Val329Ile)

Gene: PEX3 (peroxisomal biogenesis factor 3; plus strand). Cytogenetic location: 6q24.2.
Variant type: single nucleotide variant.
Coding change: c.985G>A on transcript NM_003630.3 (MANE Select); coding-DNA position 985, G replaced by A.
Protein change: p.Val329Ile; replaces valine 329 with isoleucine.
Molecular consequence: missense variant.
Genome position (GRCh38, 1-based): chr6:143,485,195, G>A. VCF-style: chr6-143485195-G-A. GRCh37 (hg19) VCF-style: chr6-143806332-G-A.
Other names: short protein forms V329I.
Identifiers: ClinVar variation 4698458 (VCV004698458.1).